The following is an entry in ClinVar:

NM_012414.4(RAB3GAP2):c.886A>G (p.Asn296Asp)

Gene: RAB3GAP2 (RAB3 GTPase activating non-catalytic protein subunit 2; minus strand). Cytogenetic location: 1q41.
Variant type: single nucleotide variant.
Coding change: c.886A>G on transcript NM_012414.4 (MANE Select); coding-DNA position 886, A replaced by G.
Protein change: p.Asn296Asp; replaces asparagine 296 with aspartic acid.
Molecular consequence: missense variant.
Genome position (GRCh38, 1-based): chr1:220,196,324, T>C on the plus strand (A>G on the coding strand, the complement: RAB3GAP2 is on the minus strand). VCF-style: chr1-220196324-T-C. GRCh37 (hg19) VCF-style: chr1-220369666-T-C.
Other names: short protein forms N296D.
Identifiers: ClinVar variation 4074703 (VCV004074703.1).

ClinVar aggregate classification (germline): Uncertain significance (1 of 4 stars; one submission).

gnomAD v4.1: 1 of 1,610,078 alleles (0.000062%); highest among the groups gnomAD compares: Admixed American, 0.0017%; no homozygotes.

Submission:

GeneDx
Classification: Uncertain significance. Last evaluated: 2025-02-07. Review status: criteria provided, single submitter. Criteria: GeneDx Variant Classification Process June 2021. Collection method: clinical testing. Allele origin: germline. Affected: yes.
Comment: Not observed at significant frequency in large population cohorts (gnomAD); In silico analysis indicates that this missense variant does not alter protein structure/function; Has not been previously published as pathogenic or benign to our knowledge